The following is an entry in ClinVar:

ClinVar aggregate classification (germline): Likely benign. Review status: criteria provided, multiple submitters, no conflicts (2 of 4 stars). 2 submissions from 2 submitters: Likely benign (2). Last evaluated 2025-06-11.

Conditions:
Charcot-Marie-Tooth disease type 4. Also called: Charcot-Marie-Tooth disease, type IV; Charcot-Marie-Tooth, Type 4. Identifiers: Orphanet 64749, MedGen C4082197, MONDO:0018995.
SBF2-related disorder. Also called: SBF2-related condition.

Allele frequency attached by ClinVar (database versions not stated): gnomAD 0.00002; gnomAD exomes 0.00002; TOPMed 0.00003; ExAC 0.00002.
gnomAD v4.1: 78 of 1,613,890 alleles (0.0048%); highest among the groups gnomAD compares: Non-Finnish European, 0.0064%; no homozygotes.

Submissions (2):

PreventionGenetics, part of Exact Sciences
Classification: Likely benign for SBF2-related condition. Last evaluated: 2025-06-11. Review status: criteria provided, single submitter. Criteria: ACMG Guidelines, 2015. Collection method: clinical testing. Allele origin: germline.
Comment: This variant is classified as likely benign based on ACMG/AMP sequence variant interpretation guidelines (Richards et al. 2015 PMID: 25741868, with internal and published modifications).

Labcorp Genetics (formerly Invitae), Labcorp
Classification: Likely benign for Charcot-Marie-Tooth disease type 4. Last evaluated: 2024-10-23. Review status: criteria provided, single submitter. Criteria: Invitae Variant Classification Sherloc (09022015). Collection method: clinical testing. Allele origin: germline.

NM_030962.4(SBF2):c.3744C>G (p.Leu1248=)

Gene: SBF2 (SET binding factor 2; minus strand). Cytogenetic location: 11p15.4.
Variant type: single nucleotide variant.
Coding change: c.3744C>G on transcript NM_030962.4 (MANE Select); coding-DNA position 3744, C replaced by G.
Protein change: p.Leu1248=; no amino-acid change (leucine 1248 retained).
Molecular consequence: synonymous variant.
Genome position (GRCh38, 1-based): chr11:9,829,405, G>C on the plus strand (C>G on the coding strand, the complement: SBF2 is on the minus strand). VCF-style: chr11-9829405-G-C. GRCh37 (hg19) VCF-style: chr11-9850952-G-C.
Other names: c.3744C>G, p.Leu1248= (NM_001386339.1); c.3615C>G, p.Leu1205= (NM_001386342.1).
Identifiers: ClinVar variation 699569 (VCV000699569.12), dbSNP rs752703631, ClinGen allele CA5881175.